The following is an entry in ClinVar:

NM_000183.3(HADHB):c.900C>T (p.Tyr300=)

Gene: HADHB (hydroxyacyl-CoA dehydrogenase trifunctional multienzyme complex subunit beta; plus strand). Cytogenetic location: 2p23.3.
Variant type: single nucleotide variant.
Coding change: c.900C>T on transcript NM_000183.3 (MANE Select); coding-DNA position 900, C replaced by T.
Protein change: p.Tyr300=; no amino-acid change (tyrosine 300 retained).
Molecular consequence: synonymous variant.
Genome position (GRCh38, 1-based): chr2:26,280,082, C>T. VCF-style: chr2-26280082-C-T. GRCh37 (hg19) VCF-style: chr2-26502950-C-T.
Other names: p.Tyr300=; c.855C>T, p.Tyr285= (NM_001281512.2); c.834C>T, p.Tyr278= (NM_001281513.2).
Identifiers: ClinVar variation 509470 (VCV000509470.53), dbSNP rs144093705, ClinGen allele CA1560368.

ClinVar aggregate classification (germline): Conflicting classifications of pathogenicity. Review status: criteria provided, conflicting classifications (1 of 4 stars). 6 submissions from 6 submitters: Uncertain significance (1); Benign (1); Likely benign (4). Last evaluated 2026-06-01.

Conditions:
Mitochondrial trifunctional protein deficiency. Identifiers: Orphanet 746, MedGen C1969443, MONDO:0012172.

Allele frequency attached by ClinVar (database versions not stated): ESP Exome Variant Server 0.00038; ExAC 0.00059; TOPMed 0.00062; gnomAD 0.00065; gnomAD exomes 0.00073 and 0.00126; 1000 Genomes Project 0.00100; 1000 Genomes Project 30x 0.00141.
gnomAD v4.1: 1,946 of 1,611,942 alleles (0.12%); highest among the groups gnomAD compares: East Asian, 0.54%; 6 homozygotes.

Submissions (6):

CeGaT Center for Human Genetics Tuebingen
Classification: Likely benign. Last evaluated: 2026-06-01. Review status: criteria provided, single submitter. Criteria: CeGaT Center For Human Genetics Tuebingen Variant Classification Criteria Version 2. Collection method: clinical testing. Allele origin: germline. Affected: yes. Observed: 7 variant alleles.
Comment: HADHB: BP4, BP7

Labcorp Genetics (formerly Invitae), Labcorp
Classification: Benign for Mitochondrial trifunctional protein deficiency. Last evaluated: 2026-02-02. Review status: criteria provided, single submitter. Criteria: Invitae Variant Classification Sherloc (09022015). Collection method: clinical testing. Allele origin: germline.

Mayo Clinic Laboratories, Mayo Clinic
Classification: Likely benign. Last evaluated: 2024-11-26. Review status: criteria provided, single submitter. Criteria: ACMG Guidelines, 2015. Collection method: clinical testing. Allele origin: germline. Observed: 6 variant alleles.
Comment: BS1, BP4, BP7

Blueprint Genetics
Classification: Likely benign. Last evaluated: 2024-11-06. Review status: criteria provided, single submitter. Criteria: ACMG Guidelines, 2015. Collection method: clinical testing. Allele origin: germline.

GeneDx
Classification: Likely benign. Last evaluated: 2021-06-13. Review status: criteria provided, single submitter. Criteria: GeneDx Variant Classification Process June 2021. Collection method: clinical testing. Allele origin: germline. Affected: yes.

Illumina Laboratory Services, Illumina
Classification: Uncertain significance for Mitochondrial trifunctional protein deficiency 1. Last evaluated: 2018-01-13. Review status: criteria provided, single submitter. Criteria: ICSL Variant Classification Criteria 13 December 2019. Collection method: clinical testing. Allele origin: germline.